The following is an entry in ClinVar:

NM_004260.4(RECQL4):c.1916G>A (p.Gly639Asp)

Gene: RECQL4 (RecQ like helicase 4; minus strand). Cytogenetic location: 8q24.3.
Variant type: single nucleotide variant.
Coding change: c.1916G>A on transcript NM_004260.4 (MANE Select); coding-DNA position 1916, G replaced by A.
Protein change: p.Gly639Asp; replaces glycine 639 with aspartic acid.
Molecular consequence: missense variant.
Genome position (GRCh38, 1-based): chr8:144,514,070, C>T on the plus strand (G>A on the coding strand, the complement: RECQL4 is on the minus strand). VCF-style: chr8-144514070-C-T. GRCh37 (hg19) VCF-style: chr8-145739454-C-T.
Other names: c.1916G>A (NM_004260.3); c.1820G>A, p.Gly607Asp (NM_001413017.1, NM_001413020.1); c.1916G>A, p.Gly639Asp (NM_001413018.1, NM_001413019.1, NM_001413036.1); c.845G>A, p.Gly282Asp (NM_001413021.1, NM_001413022.1, NM_001413023.1 and 6 more transcripts); c.1787G>A, p.Gly596Asp (NM_001413025.1); c.779G>A, p.Gly260Asp (NM_001413027.1, NM_001413030.1, NM_001413032.1 and 1 more transcripts); c.1565G>A, p.Gly522Asp (NM_001413029.1); c.647G>A, p.Gly216Asp (NM_001413031.1); and 5 more; short protein forms G282D, G595D, G150D, G216D, G272D, G596D, G238D, G260D.
Identifiers: ClinVar variation 1975858 (VCV001975858.6), dbSNP rs1586809019, ClinGen allele CA372680491.
Genomic context (GRCh38, chr8:144,514,070, plus strand): 5'-GCCACAGCCAGGTGCTGTGCCACGTCACTGGCAGTGCGGCGTGTGGCTGTGGCTGTGAGG[C>T]CCAGGAAGCAGTGCACGCCCATGCGCTCCCGAAGCACCTGCACCAGAGGCGGCAGTGGTG-3'
Protein context (NP_004251.4, residues 629-649): RERMGVHCFL[Gly639Asp]LTATATRRTA

ClinVar aggregate classification (germline): Uncertain significance. Review status: criteria provided, multiple submitters, no conflicts (2 of 4 stars). 2 submissions from 2 submitters: Uncertain significance (2). Last evaluated 2026-08-10.

Conditions:
Inborn genetic diseases. Identifiers: MedGen C0950123, MeSH D030342.
Baller-Gerold syndrome (BGS). Also called: CRANIOSYNOSTOSIS WITH RADIAL DEFECTS. Identifiers: Orphanet 1225, MedGen C0265308, MONDO:0009039, OMIM 218600.

Submissions (2):

Ambry Genetics
Classification: Uncertain significance for Inborn genetic diseases. Last evaluated: 2026-08-10. Review status: criteria provided, single submitter. Criteria: Ambry Variant Classification Scheme 2023. Collection method: clinical testing. Allele origin: germline.
Comment: The p.G639D variant (also known as c.1916G>A), located in coding exon 12 of the RECQL4 gene, results from a G to A substitution at nucleotide position 1916. The glycine at codon 639 is replaced by aspartic acid, an amino acid with similar properties. This amino acid position is conserved. In addition, this alteration is predicted to be deleterious by in silico analysis. Based on the available evidence, the clinical significance of this variant remains unclear.

Labcorp Genetics (formerly Invitae), Labcorp
Classification: Uncertain significance for Baller-Gerold syndrome. Last evaluated: 2024-10-16. Review status: criteria provided, single submitter. Criteria: Invitae Variant Classification Sherloc (09022015). Collection method: clinical testing. Allele origin: germline.
Comment: This sequence change replaces glycine, which is neutral and non-polar, with aspartic acid, which is acidic and polar, at codon 639 of the RECQL4 protein (p.Gly639Asp). This variant is not present in population databases (gnomAD no frequency). This variant has not been reported in the literature in individuals affected with RECQL4-related conditions. ClinVar contains an entry for this variant (Variation ID: 1975858). Invitae Evidence Modeling of protein sequence and biophysical properties (such as structural, functional, and spatial information, amino acid conservation, physicochemical variation, residue mobility, and thermodynamic stability) indicates that this missense variant is expected to disrupt RECQL4 protein function with a positive predictive value of 80%. In summary, the available evidence is currently insufficient to determine the role of this variant in disease. Therefore, it has been classified as a Variant of Uncertain Significance.